The following is an entry in ClinVar:

NM_018834.6(MATR3):c.1464T>A (p.Phe488Leu)

Gene: MATR3 (matrin 3; plus strand). Cytogenetic location: 5q31.2.
Variant type: single nucleotide variant.
Coding change: c.1464T>A on transcript NM_018834.6 (MANE Select); coding-DNA position 1464, T replaced by A.
Protein change: p.Phe488Leu; replaces phenylalanine 488 with leucine.
Molecular consequence: missense variant.
Genome position (GRCh38, 1-based): chr5:139,319,363, T>A. VCF-style: chr5-139319363-T-A. GRCh37 (hg19) VCF-style: chr5-138655052-T-A.
Other names: c.1464T>A, p.Phe488Leu (NM_001194954.2, NM_001194955.2, NM_199189.3); c.600T>A, p.Phe200Leu (NM_001194956.2); c.450T>A, p.Phe150Leu (NM_001282278.2); short protein forms F150L, F200L, F488L.
Identifiers: ClinVar variation 1053943 (VCV001053943.9), dbSNP rs777025841, ClinGen allele CA3433165.

ClinVar aggregate classification (germline): Uncertain significance (1 of 4 stars; one submission).

Conditions:
Amyotrophic lateral sclerosis type 21. Also called: MYOPATHY, DISTAL, 2; VOCAL CORD AND PHARYNGEAL DYSFUNCTION WITH DISTAL MYOPATHY. Identifiers: Orphanet 600, Orphanet 803, MedGen C3807521, MONDO:0011632, OMIM 606070.

Allele frequency attached by ClinVar (database versions not stated): gnomAD exomes below 0.00001 and 0.00001; TOPMed below 0.00001; ExAC 0.00001; gnomAD 0.00001.
gnomAD v4.1: 9 of 1,614,080 alleles (0.00056%); highest among the groups gnomAD compares: Non-Finnish European, 0.000085%; no homozygotes.

Submission:

Labcorp Genetics (formerly Invitae), Labcorp
Classification: Uncertain significance for Amyotrophic lateral sclerosis type 21. Last evaluated: 2024-07-04. Review status: criteria provided, single submitter. Criteria: Invitae Variant Classification Sherloc (09022015). Collection method: clinical testing. Allele origin: germline.
Comment: This sequence change replaces phenylalanine, which is neutral and non-polar, with leucine, which is neutral and non-polar, at codon 488 of the MATR3 protein (p.Phe488Leu). This variant is present in population databases (rs777025841, gnomAD 0.02%). This variant has not been reported in the literature in individuals affected with MATR3-related conditions. ClinVar contains an entry for this variant (Variation ID: 1053943). Advanced modeling of protein sequence and biophysical properties (such as structural, functional, and spatial information, amino acid conservation, physicochemical variation, residue mobility, and thermodynamic stability) performed at Invitae indicates that this missense variant is not expected to disrupt MATR3 protein function with a negative predictive value of 80%. In summary, the available evidence is currently insufficient to determine the role of this variant in disease. Therefore, it has been classified as a Variant of Uncertain Significance.